The following is an entry in ClinVar:

NM_024580.6(EFL1):c.2989+15G>A

Gene: EFL1 (elongation factor like GTPase 1; minus strand). Cytogenetic location: 15q25.2.
Variant type: single nucleotide variant.
Coding change: c.2989+15G>A on transcript NM_024580.6 (MANE Select); 15 bases into the intron after coding-DNA position 2989, G replaced by A.
Molecular consequence: intron variant.
Genome position (GRCh38, 1-based): chr15:82,151,450, C>T on the plus strand (G>A on the coding strand, the complement: EFL1 is on the minus strand). VCF-style: chr15-82151450-C-T. GRCh37 (hg19) VCF-style: chr15-82443791-C-T.
Other names: c.2836+15G>A (NM_001040610.3); c.2200+15G>A (NM_001322844.2); c.2989+15G>A (NM_001322845.2).
Identifiers: ClinVar variation 2106805 (VCV002106805.4), dbSNP rs1187918845, ClinGen allele CA2580090071.

ClinVar aggregate classification (germline): Uncertain significance (1 of 4 stars; one submission).

gnomAD v4.1: 6 of 1,586,998 alleles (0.00038%); highest among the groups gnomAD compares: Middle Eastern, 0.017%; no homozygotes.

Submission:

Labcorp Genetics (formerly Invitae), Labcorp
Classification: Uncertain significance. Last evaluated: 2022-03-14. Review status: criteria provided, single submitter. Criteria: Invitae Variant Classification Sherloc (09022015). Collection method: clinical testing. Allele origin: germline.
Comment: Algorithms developed to predict the effect of sequence changes on RNA splicing suggest that this variant may disrupt the consensus splice site. This variant has not been reported in the literature in individuals affected with EFL1-related conditions. This variant is not present in population databases (gnomAD no frequency). This sequence change falls in intron 18 of the EFL1 gene. It does not directly change the encoded amino acid sequence of the EFL1 protein. In summary, the available evidence is currently insufficient to determine the role of this variant in disease. Therefore, it has been classified as a Variant of Uncertain Significance.